The following is an entry in ClinVar:

NM_000271.5(NPC1):c.3068T>G (p.Val1023Gly)

Gene: NPC1 (NPC intracellular cholesterol transporter 1; minus strand). Cytogenetic location: 18q11.2.
Variant type: single nucleotide variant.
Coding change: c.3068T>G on transcript NM_000271.5 (MANE Select); coding-DNA position 3068, T replaced by G.
Protein change: p.Val1023Gly; replaces valine 1023 with glycine.
Molecular consequence: missense variant.
Genome position (GRCh38, 1-based): chr18:23,536,850, A>C on the plus strand (T>G on the coding strand, the complement: NPC1 is on the minus strand). VCF-style: chr18-23536850-A-C. GRCh37 (hg19) VCF-style: chr18-21116814-A-C.
Other names: short protein forms V1023G.
Identifiers: ClinVar variation 1401665 (VCV001401665.8), dbSNP rs2145357984, ClinGen allele CA401792005.

ClinVar aggregate classification (germline): Pathogenic (1 of 4 stars; one submission).

Conditions:
Niemann-Pick disease, type C1. Also called: NIEMANN-PICK DISEASE, VARIANT TYPE C1; NEUROVISCERAL STORAGE DISEASE WITH VERTICAL SUPRANUCLEAR OPHTHALMOPLEGIA; NIEMANN-PICK DISEASE WITH CHOLESTEROL ESTERIFICATION BLOCK; NIEMANN-PICK DISEASE WITHOUT SPHINGOMYELINASE DEFICIENCY; NIEMANN-PICK DISEASE, CHRONIC NEURONOPATHIC FORM. Identifiers: Orphanet 646, MedGen C3179455, MONDO:0009757, OMIM 257220.

Submission:

Labcorp Genetics (formerly Invitae), Labcorp
Classification: Pathogenic for Niemann-Pick disease, type C1. Last evaluated: 2020-11-24. Review status: criteria provided, single submitter. Criteria: Invitae Variant Classification Sherloc (09022015). Collection method: clinical testing. Allele origin: germline.
Comment: This sequence change replaces valine with glycine at codon 1023 of the NPC1 protein (p.Val1023Gly). The valine residue is highly conserved and there is a moderate physicochemical difference between valine and glycine. This variant is not present in population databases (ExAC no frequency). This variant has been observed in individual(s) with Niemann-Pick disease type C (PMID: 11349231, 23430855). Advanced modeling of protein sequence and biophysical properties (such as structural, functional, and spatial information, amino acid conservation, physicochemical variation, residue mobility, and thermodynamic stability) performed at Invitae indicates that this missense variant is expected to disrupt NPC1 protein function. Algorithms developed to predict the effect of sequence changes on RNA splicing suggest that this variant may create or strengthen a splice site, but this prediction has not been confirmed by published transcriptional studies. For these reasons, this variant has been classified as Pathogenic. Studies have shown that this variant alters NPC1 gene expression (PMID: 23430855).

Literature cited by the submitters: PubMed 11349231; PubMed 23430855.